The following is an entry in ClinVar:

NM_006981.4(NR4A3):c.1418C>G (p.Ala473Gly)

Gene: NR4A3 (nuclear receptor subfamily 4 group A member 3; plus strand). Cytogenetic location: 9q31.1.
Variant type: single nucleotide variant.
Coding change: c.1418C>G on transcript NM_006981.4 (MANE Select); coding-DNA position 1418, C replaced by G.
Protein change: p.Ala473Gly; replaces alanine 473 with glycine.
Molecular consequence: missense variant.
Genome position (GRCh38, 1-based): chr9:99,844,812, C>G. VCF-style: chr9-99844812-C-G. GRCh37 (hg19) VCF-style: chr9-102607094-C-G.
Other names: c.1451C>G, p.Ala484Gly (NM_173200.3); short protein forms A473G, A484G.
Identifiers: ClinVar variation 4879563 (VCV004879563.1).

ClinVar aggregate classification (germline): Uncertain significance (1 of 4 stars; one submission).

gnomAD v4.1: 2 of 1,614,036 alleles (0.00012%); highest among the groups gnomAD compares: Non-Finnish European, 0.00017%; no homozygotes.

Submission:

Clinical Genomics Laboratory, Washington University in St. Louis
Classification: Uncertain significance. Last evaluated: 2026-01-04. Review status: criteria provided, single submitter. Criteria: ACMG Guidelines, 2015. Collection method: clinical testing. Allele origin: germline.
Comment: The NR4A3 c.1418C>G (p.Ala473Gly) variant, to our knowledge, has not been reported in the medical literature. This variant is only observed in 2/1,614,036 alleles in the general population (gnomAD v.4.1.0), indicating it is not a common variant. Computational predictors indicate that the variant is damaging, evidence that correlates with impact to NR4A3 function. Due to limited information, the clinical significance of this variant is uncertain.